The following is an entry in ClinVar:

NM_001040108.2(MLH3):c.589A>G (p.Met197Val)

Gene: MLH3 (mutL homolog 3; minus strand). Cytogenetic location: 14q24.3.
Variant type: single nucleotide variant.
Coding change: c.589A>G on transcript NM_001040108.2 (MANE Select); coding-DNA position 589, A replaced by G.
Protein change: p.Met197Val; replaces methionine 197 with valine.
Molecular consequence: missense variant.
Genome position (GRCh38, 1-based): chr14:75,049,067, T>C on the plus strand (A>G on the coding strand, the complement: MLH3 is on the minus strand). VCF-style: chr14-75049067-T-C. GRCh37 (hg19) VCF-style: chr14-75515770-T-C.
Other names: c.589A>G, p.Met197Val (NM_014381.3); short protein forms M197V.
Identifiers: ClinVar variation 1750353 (VCV001750353.3), dbSNP rs750800691, ClinGen allele CA7276006.

ClinVar aggregate classification (germline): Uncertain significance (1 of 4 stars; one submission).

Submission:

Ambry Genetics
Classification: Uncertain significance. Last evaluated: 2025-11-08. Review status: criteria provided, single submitter. Criteria: Ambry Variant Classification Scheme 2023. Collection method: clinical testing. Allele origin: germline.
Comment: The p.M197V variant (also known as c.589A>G), located in coding exon 1 of the MLH3 gene, results from an A to G substitution at nucleotide position 589. The methionine at codon 197 is replaced by valine, an amino acid with highly similar properties. This amino acid position is conserved. In addition, this alteration is predicted to be tolerated by in silico analysis. Since supporting evidence is limited at this time, the clinical significance of this alteration remains unclear.